The following is an entry in ClinVar:

NM_015041.3(CLUAP1):c.380A>C (p.Lys127Thr)

Gene: CLUAP1 (clusterin associated protein 1; plus strand). Cytogenetic location: 16p13.3.
Variant type: single nucleotide variant.
Coding change: c.380A>C on transcript NM_015041.3 (MANE Select); coding-DNA position 380, A replaced by C.
Protein change: p.Lys127Thr; replaces lysine 127 with threonine.
Molecular consequence: missense variant.
Genome position (GRCh38, 1-based): chr16:3,508,449, A>C. VCF-style: chr16-3508449-A-C. GRCh37 (hg19) VCF-style: chr16-3558449-A-C.
Other names: c.380A>C, p.Lys127Thr (NM_001330454.2); short protein forms K127T.
Identifiers: ClinVar variation 3606627 (VCV003606627.2).

ClinVar aggregate classification (germline): Uncertain significance (1 of 4 stars; one submission).

gnomAD v4.1: 5 of 1,577,518 alleles (0.00032%); highest among the groups gnomAD compares: African/African-American, 0.0014%; no homozygotes.

Submission:

Labcorp Genetics (formerly Invitae), Labcorp
Classification: Uncertain significance. Last evaluated: 2024-10-08. Review status: criteria provided, single submitter. Criteria: Invitae Variant Classification Sherloc (09022015). Collection method: clinical testing. Allele origin: germline.
Comment: This sequence change replaces lysine, which is basic and polar, with threonine, which is neutral and polar, at codon 127 of the CLUAP1 protein (p.Lys127Thr). This variant is present in population databases (rs531848813, gnomAD 0.001%). This variant has not been reported in the literature in individuals affected with CLUAP1-related conditions. Invitae Evidence Modeling of protein sequence and biophysical properties (such as structural, functional, and spatial information, amino acid conservation, physicochemical variation, residue mobility, and thermodynamic stability) indicates that this missense variant is not expected to disrupt CLUAP1 protein function with a negative predictive value of 80%. In summary, the available evidence is currently insufficient to determine the role of this variant in disease. Therefore, it has been classified as a Variant of Uncertain Significance.